The following is an entry in ClinVar:

ClinVar aggregate classification (germline): Uncertain significance (1 of 4 stars; one submission).

Conditions:
Glycogen storage disease, type V (GSD5). Also called: McArdle type glycogen storage disease; MCARDLE DISEASE; MUSCLE GLYCOGEN PHOSPHORYLASE DEFICIENCY; MYOPHOSPHORYLASE DEFICIENCY; PYGM DEFICIENCY. Identifiers: Orphanet 368, MedGen C0017924, MONDO:0009293, OMIM 232600.

gnomAD v4.1: 1 of 1,613,060 alleles (0.000062%); highest among the groups gnomAD compares: Admixed American, 0.0017%; no homozygotes.

Submission:

Labcorp Genetics (formerly Invitae), Labcorp
Classification: Uncertain significance for Glycogen storage disease, type V. Last evaluated: 2024-12-05. Review status: criteria provided, single submitter. Criteria: Invitae Variant Classification Sherloc (09022015). Collection method: clinical testing. Allele origin: germline.
Comment: This sequence change replaces asparagine, which is neutral and polar, with tyrosine, which is neutral and polar, at codon 339 of the PYGM protein (p.Asn339Tyr). This variant is present in population databases (no rsID available, gnomAD 0.003%). This variant has not been reported in the literature in individuals affected with PYGM-related conditions. Invitae Evidence Modeling of protein sequence and biophysical properties (such as structural, functional, and spatial information, amino acid conservation, physicochemical variation, residue mobility, and thermodynamic stability) indicates that this missense variant is expected to disrupt PYGM protein function with a positive predictive value of 95%. In summary, the available evidence is currently insufficient to determine the role of this variant in disease. Therefore, it has been classified as a Variant of Uncertain Significance.

NM_005609.4(PYGM):c.1015A>T (p.Asn339Tyr)

Gene: PYGM (glycogen phosphorylase, muscle associated; minus strand). Cytogenetic location: 11q13.1.
Variant type: single nucleotide variant.
Coding change: c.1015A>T on transcript NM_005609.4 (MANE Select); coding-DNA position 1015, A replaced by T.
Protein change: p.Asn339Tyr; replaces asparagine 339 with tyrosine.
Molecular consequence: missense variant.
Genome position (GRCh38, 1-based): chr11:64,754,330, T>A on the plus strand (A>T on the coding strand, the complement: PYGM is on the minus strand). VCF-style: chr11-64754330-T-A. GRCh37 (hg19) VCF-style: chr11-64521802-T-A.
Other names: c.751A>T, p.Asn251Tyr (NM_001164716.1); short protein forms N339Y, N251Y.
Identifiers: ClinVar variation 3705052 (VCV003705052.2).